The following is an entry in ClinVar:

ClinVar aggregate classification (germline): Likely benign. Review status: criteria provided, multiple submitters, no conflicts (2 of 4 stars). 3 submissions from 3 submitters: Likely benign (3). Last evaluated 2025-10-05.

Conditions:
LCA5-related disorder. Also called: LCA5-related condition.

Allele frequency attached by ClinVar (database versions not stated): gnomAD 0.00001; TOPMed 0.00001.
gnomAD v4.1: 23 of 1,613,622 alleles (0.0014%); highest among the groups gnomAD compares: Admixed American, 0.005%; no homozygotes.

Submissions (3):

PreventionGenetics, part of Exact Sciences
Classification: Likely benign for LCA5-related condition. Last evaluated: 2025-10-05. Review status: criteria provided, single submitter. Criteria: ACMG Guidelines, 2015. Collection method: clinical testing. Allele origin: germline.
Comment: This variant is classified as likely benign based on ACMG/AMP sequence variant interpretation guidelines (Richards et al. 2015 PMID: 25741868, with internal and published modifications).

Labcorp Genetics (formerly Invitae), Labcorp
Classification: Likely benign. Last evaluated: 2025-02-06. Review status: criteria provided, single submitter. Criteria: Invitae Variant Classification Sherloc (09022015). Collection method: clinical testing. Allele origin: germline.

Blueprint Genetics
Classification: Likely benign. Last evaluated: 2023-03-31. Review status: criteria provided, single submitter. Criteria: ACMG Guidelines, 2015. Collection method: clinical testing. Allele origin: germline.

NM_001122769.3(LCA5):c.675A>G (p.Leu225=)

Gene: LCA5 (lebercilin LCA5; minus strand). Cytogenetic location: 6q14.1.
Variant type: single nucleotide variant.
Coding change: c.675A>G on transcript NM_001122769.3 (MANE Select); coding-DNA position 675, A replaced by G.
Protein change: p.Leu225=; no amino-acid change (leucine 225 retained).
Molecular consequence: synonymous variant.
Genome position (GRCh38, 1-based): chr6:79,513,257, T>C on the plus strand (A>G on the coding strand, the complement: LCA5 is on the minus strand). VCF-style: chr6-79513257-T-C. GRCh37 (hg19) VCF-style: chr6-80222974-T-C.
Other names: c.675A>G, p.Leu225= (NM_181714.4); c.675A>G (NM_181714.3).
Identifiers: ClinVar variation 1587325 (VCV001587325.10), dbSNP rs764283007, ClinGen allele CA3901077.
Genomic context (GRCh38, chr6:79,513,257, plus strand): 5'-CTGTAGAAATTGTACCTTAATTCTTCTCTCGGTGTCATCTAACTTTAACTCTGCTGAAAC[T>C]AGTTTCTTTGCCAAATCATCTCGTTCAGGTAGGTGTCTAGCTTCAGAGATCTCTTTCAGT-3'
Protein context (NP_001116241.1, residues 215-235): LPERDDLAKK[Leu225=]VSAELKLDDT